The following is an entry in ClinVar:

ClinVar aggregate classification (germline): Uncertain significance. Review status: criteria provided, multiple submitters, no conflicts (2 of 4 stars). 2 submissions from 2 submitters: Uncertain significance (2). Last evaluated 2025-08-15.

Conditions:
Inborn genetic diseases. Identifiers: MedGen C0950123, MeSH D030342.

Allele frequency attached by ClinVar (database versions not stated): gnomAD exomes below 0.00001.
gnomAD v4.1: 1 of 1,613,736 alleles (0.000062%); highest among the groups gnomAD compares: Non-Finnish European, 0.000085%; no homozygotes.

Submissions (2):

Ambry Genetics
Classification: Uncertain significance for Inborn genetic diseases. Last evaluated: 2025-08-15. Review status: criteria provided, single submitter. Criteria: Ambry Variant Classification Scheme 2023. Collection method: clinical testing. Allele origin: germline.

Labcorp Genetics (formerly Invitae), Labcorp
Classification: Uncertain significance. Last evaluated: 2021-11-27. Review status: criteria provided, single submitter. Criteria: Invitae Variant Classification Sherloc (09022015). Collection method: clinical testing. Allele origin: germline.
Comment: In summary, the available evidence is currently insufficient to determine the role of this variant in disease. Therefore, it has been classified as a Variant of Uncertain Significance. Advanced modeling of protein sequence and biophysical properties (such as structural, functional, and spatial information, amino acid conservation, physicochemical variation, residue mobility, and thermodynamic stability) performed at Invitae indicates that this missense variant is expected to disrupt MTOR protein function. This variant has not been reported in the literature in individuals affected with MTOR-related conditions. This variant is not present in population databases (gnomAD no frequency). This sequence change replaces leucine, which is neutral and non-polar, with methionine, which is neutral and non-polar, at codon 1689 of the MTOR protein (p.Leu1689Met).

NM_004958.4(MTOR):c.5065C>A (p.Leu1689Met)

Gene: MTOR (mechanistic target of rapamycin kinase; minus strand). Cytogenetic location: 1p36.22.
Variant type: single nucleotide variant.
Coding change: c.5065C>A on transcript NM_004958.4 (MANE Select); coding-DNA position 5065, C replaced by A.
Protein change: p.Leu1689Met; replaces leucine 1689 with methionine.
Molecular consequence: missense variant.
Genome position (GRCh38, 1-based): chr1:11,139,369, G>T on the plus strand (C>A on the coding strand, the complement: MTOR is on the minus strand). VCF-style: chr1-11139369-G-T. GRCh37 (hg19) VCF-style: chr1-11199426-G-T.
Other names: c.5065C>A, p.Leu1689Met (NM_001386500.1); c.3817C>A, p.Leu1273Met (NM_001386501.1); c.5065C>A (NM_004958.3); short protein forms L1273M, L1689M.
Identifiers: ClinVar variation 1462431 (VCV001462431.7), dbSNP rs2100477206, ClinGen allele CA338401875.